The following is an entry in ClinVar:

ClinVar aggregate classification (germline): Uncertain significance (1 of 4 stars; one submission).

Submission:

Mayo Clinic Laboratories, Mayo Clinic
Classification: Uncertain significance. Last evaluated: 2025-07-24. Review status: criteria provided, single submitter. Criteria: ACMG Guidelines, 2015. Collection method: clinical testing. Allele origin: germline. Observed: 1 variant allele.
Comment: BP4

NM_001163809.2(WDR81):c.2894C>T (p.Pro965Leu)

Gene: WDR81 (WD repeat domain 81; plus strand). Cytogenetic location: 17p13.3.
Variant type: single nucleotide variant.
Coding change: c.2894C>T on transcript NM_001163809.2 (MANE Select); coding-DNA position 2894, C replaced by T.
Protein change: p.Pro965Leu; replaces proline 965 with leucine.
Molecular consequence: missense variant. On other transcripts: intron variant (3).
Genome position (GRCh38, 1-based): chr17:1,727,853, C>T. VCF-style: chr17-1727853-C-T. GRCh37 (hg19) VCF-style: chr17-1631147-C-T.
Other names: p.Pro965Leu; c.-123-137C>T (NM_152348.4); c.59-2527C>T (NM_001163673.2); c.-14-2527C>T (NM_001163811.2); short protein forms P965L.
Identifiers: ClinVar variation 4542108 (VCV004542108.1).